The following is an entry in ClinVar:

NM_001297.5(CNGB1):c.3704A>G (p.Glu1235Gly)

Gene: CNGB1 (cyclic nucleotide gated channel subunit beta 1; minus strand). Cytogenetic location: 16q21.
Variant type: single nucleotide variant.
Coding change: c.3704A>G on transcript NM_001297.5 (MANE Select); coding-DNA position 3704, A replaced by G.
Protein change: p.Glu1235Gly; replaces glutamic acid 1235 with glycine.
Molecular consequence: missense variant.
Genome position (GRCh38, 1-based): chr16:57,884,216, T>C on the plus strand (A>G on the coding strand, the complement: CNGB1 is on the minus strand). VCF-style: chr16-57884216-T-C. GRCh37 (hg19) VCF-style: chr16-57918120-T-C.
Other names: c.3686A>G, p.Glu1229Gly (NM_001286130.2); c.3704A>G (NM_001297.4); short protein forms E1229G, E1235G.
Identifiers: ClinVar variation 1524072 (VCV001524072.8), dbSNP rs751167784, ClinGen allele CA8082470.

ClinVar aggregate classification (germline): Uncertain significance. Review status: criteria provided, multiple submitters, no conflicts (2 of 4 stars). 3 submissions from 3 submitters: Uncertain significance (3). Last evaluated 2025-04-15.

Conditions:
Inborn genetic diseases. Identifiers: MedGen C0950123, MeSH D030342.

Allele frequency attached by ClinVar (database versions not stated): gnomAD 0.00003 and 0.00004; ExAC 0.00004; TOPMed 0.00004; gnomAD exomes 0.00006 and 0.00008.
gnomAD v4.1: 114 of 1,613,808 alleles (0.0071%); highest among the groups gnomAD compares: Non-Finnish European, 0.0094%; no homozygotes.

Submissions (3):

Ambry Genetics
Classification: Uncertain significance for Inborn genetic diseases. Last evaluated: 2025-04-15. Review status: criteria provided, single submitter. Criteria: Ambry Variant Classification Scheme 2023. Collection method: clinical testing. Allele origin: germline.

Blueprint Genetics
Classification: Uncertain significance. Last evaluated: 2024-11-07. Review status: criteria provided, single submitter. Criteria: ACMG Guidelines, 2015. Collection method: clinical testing. Allele origin: germline.

Labcorp Genetics (formerly Invitae), Labcorp
Classification: Uncertain significance. Last evaluated: 2023-07-03. Review status: criteria provided, single submitter. Criteria: Invitae Variant Classification Sherloc (09022015). Collection method: clinical testing. Allele origin: germline.
Comment: In summary, the available evidence is currently insufficient to determine the role of this variant in disease. Therefore, it has been classified as a Variant of Uncertain Significance. Advanced modeling of protein sequence and biophysical properties (such as structural, functional, and spatial information, amino acid conservation, physicochemical variation, residue mobility, and thermodynamic stability) performed at Invitae indicates that this missense variant is not expected to disrupt CNGB1 protein function. ClinVar contains an entry for this variant (Variation ID: 1524072). This variant has not been reported in the literature in individuals affected with CNGB1-related conditions. This variant is present in population databases (rs751167784, gnomAD 0.01%). This sequence change replaces glutamic acid, which is acidic and polar, with glycine, which is neutral and non-polar, at codon 1235 of the CNGB1 protein (p.Glu1235Gly).